The following is an entry in ClinVar:

ClinVar aggregate classification (germline): Uncertain significance. Review status: criteria provided, multiple submitters, no conflicts (2 of 4 stars). 3 submissions from 3 submitters: Uncertain significance (3). Last evaluated 2025-06-17.

Conditions:
Acrocephalosyndactyly type I (ACS1). Also called: Apert syndrome; Acrocephalo-syndactyly type 1; ACS 1; Syndactylic oxycephaly. Identifiers: Orphanet 87, MedGen C0001193, MONDO:0007041, OMIM 101200.
Beare-Stevenson cutis gyrata syndrome (BSTVS). Identifiers: Orphanet 1555, MedGen C1852406, MONDO:0007412, OMIM 123790.
LADD syndrome 1 (LADD1). Also called: Lacrimoauriculodentodigital syndrome 1. Identifiers: MedGen C5774323, MONDO:0100302, OMIM 149730.
Pfeiffer syndrome (ACS5). Also called: ACS V. Identifiers: Orphanet 710, MedGen C0220658, MONDO:0007043, OMIM 101600.
Gastric cancer. Also called: Stomach cancer; Malignant tumor of stomach. Identifiers: MedGen C0024623, MeSH D013274, MONDO:0001056, OMIM 613659, HP:0012126.
Saethre-Chotzen syndrome (SCS). Also called: ACROCEPHALY, SKULL ASYMMETRY, AND MILD SYNDACTYLY; ACS III; CHOTZEN SYNDROME. Identifiers: Orphanet 794, MedGen C0175699, MONDO:0007042, OMIM 101400.
Familial scaphocephaly syndrome, McGillivray type. Also called: SCAPHOCEPHALY, MAXILLARY RETRUSION, AND IMPAIRED INTELLECTUAL DEVELOPMENT. Identifiers: Orphanet 168624, MedGen C1865070, MONDO:0012307, OMIM 609579.
Crouzon syndrome. Also called: CRANIOFACIAL DYSOSTOSIS, TYPE I; Craniofacial dysostosis; Craniofacial dysostosis type 1; Crouzon craniofacial dysostosis; Crouzon disease. Identifiers: Orphanet 207, MedGen C0010273, MeSH D003394, MONDO:0007405, OMIM 123500, HP:0004439.
Antley-Bixler syndrome without genital anomalies or disordered steroidogenesis (ABS2). Also called: MULTISYNOSTOTIC OSTEODYSGENESIS WITH LONG BONE FRACTURES; Antley-Bixler Syndrome, Autosomal Dominant; Trapezoidocephaly synostosis syndrome; Osteodysgenesis, multisynostotic with fractures. Identifiers: Orphanet 596008, Orphanet 83, MedGen C2936791, MONDO:0020667, OMIM 207410.
Jackson-Weiss syndrome (JWS). Also called: CRANIOSYNOSTOSIS, MIDFACIAL HYPOPLASIA, AND FOOT ABNORMALITIES. Identifiers: Orphanet 1540, MedGen C0795998, MONDO:0007400, OMIM 123150. Disease mechanism: loss of function.
Bent bone dysplasia syndrome 1 (BBDS1). Also called: FGFR2-related bent bone dysplasia. Identifiers: Orphanet 313855, MedGen C3281247, MONDO:0013815, OMIM 614592.
FGFR2-related craniosynostosis. Identifiers: MedGen CN231480.

Allele frequency attached by ClinVar (database versions not stated): ExAC 0.00001; gnomAD 0.00001; gnomAD exomes 0.00001; TOPMed 0.00001.
gnomAD v4.1: 8 of 1,613,822 alleles (0.0005%); highest among the groups gnomAD compares: Middle Eastern, 0.033%; no homozygotes.

Submissions (3):

Women's Health and Genetics/Laboratory Corporation of America, LabCorp
Classification: Uncertain significance. Last evaluated: 2025-06-17. Review status: criteria provided, single submitter. Criteria: LabCorp Variant Classification Summary - May 2015. Collection method: clinical testing. Allele origin: germline.
Comment: Variant summary: FGFR2 c.419C>T (p.Ala140Val) results in a non-conservative amino acid change in the encoded protein sequence. Algorithms developed to predict the effect of missense changes on protein structure and function are either unavailable or do not agree on the potential impact of this missense change. The variant allele was found at a frequency of 1.2e-05 in 251438 control chromosomes. The available data on variant occurrences in the general population are insufficient to allow any conclusion about variant significance. To our knowledge, no occurrence of c.419C>T in individuals affected with FGFR2-Related Disorders and no experimental evidence demonstrating its impact on protein function have been reported. ClinVar contains an entry for this variant (Variation ID: 1388509). Based on the evidence outlined above, the variant was classified as uncertain significance.

Fulgent Genetics
Classification: Uncertain significance for Acrocephalosyndactyly type I; Saethre-Chotzen syndrome; Pfeiffer syndrome; Jackson-Weiss syndrome; Crouzon syndrome; Beare-Stevenson cutis gyrata syndrome; LADD syndrome 1; Antley-Bixler syndrome without genital anomalies or disordered steroidogenesis; Familial scaphocephaly syndrome, McGillivray type; Gastric cancer; Bent bone dysplasia syndrome 1. Last evaluated: 2024-06-12. Review status: criteria provided, single submitter. Criteria: ACMG Guidelines, 2015. Collection method: clinical testing. Allele origin: germline.

Labcorp Genetics (formerly Invitae), Labcorp
Classification: Uncertain significance for FGFR2-related craniosynostosis. Last evaluated: 2023-10-13. Review status: criteria provided, single submitter. Criteria: Invitae Variant Classification Sherloc (09022015). Collection method: clinical testing. Allele origin: germline.
Comment: This sequence change replaces alanine, which is neutral and non-polar, with valine, which is neutral and non-polar, at codon 140 of the FGFR2 protein (p.Ala140Val). This variant is present in population databases (rs752501698, gnomAD 0.003%). This variant has not been reported in the literature in individuals affected with FGFR2-related conditions. ClinVar contains an entry for this variant (Variation ID: 1388509). Advanced modeling of protein sequence and biophysical properties (such as structural, functional, and spatial information, amino acid conservation, physicochemical variation, residue mobility, and thermodynamic stability) performed at Invitae indicates that this missense variant is not expected to disrupt FGFR2 protein function. In summary, the available evidence is currently insufficient to determine the role of this variant in disease. Therefore, it has been classified as a Variant of Uncertain Significance.

NM_000141.5(FGFR2):c.419C>T (p.Ala140Val)

Gene: FGFR2 (fibroblast growth factor receptor 2; minus strand). Cytogenetic location: 10q26.13.
Variant type: single nucleotide variant.
Coding change: c.419C>T on transcript NM_000141.5 (MANE Select); coding-DNA position 419, C replaced by T.
Protein change: p.Ala140Val; replaces alanine 140 with valine.
Molecular consequence: missense variant. On other transcripts: intron variant (2).
Genome position (GRCh38, 1-based): chr10:121,564,537, G>A on the plus strand (C>T on the coding strand, the complement: FGFR2 is on the minus strand). VCF-style: chr10-121564537-G-A. GRCh37 (hg19) VCF-style: chr10-123324051-G-A.
Other names: c.419C>T, p.Ala140Val (NM_001144913.1, NM_001144914.1, NM_001144917.2 and 2 more transcripts); c.152C>T, p.Ala51Val (NM_001144915.2, NM_001144919.2, NM_023029.3); c.110-13078C>T (NM_001144918.2, NM_001144916.2); short protein forms A51V, A140V.
Identifiers: ClinVar variation 1388509 (VCV001388509.9), dbSNP rs752501698, ClinGen allele CA5721143.